The following is an entry in ClinVar:

NM_015450.3(POT1):c.1130C>T (p.Ser377Phe)

Gene: POT1 (protection of telomeres 1; minus strand). Cytogenetic location: 7q31.33.
Variant type: single nucleotide variant.
Coding change: c.1130C>T on transcript NM_015450.3 (MANE Select); coding-DNA position 1130, C replaced by T.
Protein change: p.Ser377Phe; replaces serine 377 with phenylalanine.
Molecular consequence: missense variant. On other transcripts: non-coding transcript variant (3).
Genome position (GRCh38, 1-based): chr7:124,842,840, G>A on the plus strand (C>T on the coding strand, the complement: POT1 is on the minus strand). VCF-style: chr7-124842840-G-A. GRCh37 (hg19) VCF-style: chr7-124482894-G-A.
Other names: c.737C>T, p.Ser246Phe (NM_001042594.2); c.1130C>T (NM_015450.2); short protein forms S246F, S377F.
Identifiers: ClinVar variation 2722890 (VCV002722890.2), dbSNP rs776187798, ClinGen allele CA369068208.

ClinVar aggregate classification (germline): Uncertain significance. Review status: criteria provided, multiple submitters, no conflicts (2 of 4 stars). 2 submissions from 2 submitters: Uncertain significance (2). Last evaluated 2025-07-28.

Conditions:
Tumor predisposition syndrome 3 (TPDS3). Also called: Glioma susceptibility 9; Melanoma, cutaneous malignant, susceptibility to, 10; LONG TELOMERE SYNDROME, POT1-RELATED; POT1 Tumor Predisposition. Identifiers: Orphanet 618, MedGen C4014476, MONDO:0014368, OMIM 615848.
Hereditary cancer-predisposing syndrome. Also called: Hereditary Cancer Syndrome; Hereditary neoplastic syndrome; Neoplastic Syndromes, Hereditary; Tumor predisposition. Identifiers: Orphanet 140162, MedGen C0027672, MeSH D009386, MONDO:0015356.

gnomAD v4.1: 12 of 1,601,940 alleles (0.00075%); highest among the groups gnomAD compares: Non-Finnish European, 0.001%; no homozygotes.

Submissions (2):

Ambry Genetics
Classification: Uncertain significance for Hereditary cancer-predisposing syndrome. Last evaluated: 2025-07-28. Review status: criteria provided, single submitter. Criteria: Ambry Variant Classification Scheme 2023. Collection method: clinical testing. Allele origin: germline.
Comment: The p.S377F variant (also known as c.1130C>T), located in coding exon 9 of the POT1 gene, results from a C to T substitution at nucleotide position 1130. The serine at codon 377 is replaced by phenylalanine, an amino acid with highly dissimilar properties. This amino acid position is highly conserved in available vertebrate species. In addition, the in silico prediction for this alteration is inconclusive. Based on the available evidence, the clinical significance of this variant remains unclear.

Labcorp Genetics (formerly Invitae), Labcorp
Classification: Uncertain significance for Tumor predisposition syndrome 3. Last evaluated: 2023-10-27. Review status: criteria provided, single submitter. Criteria: Invitae Variant Classification Sherloc (09022015). Collection method: clinical testing. Allele origin: germline.
Comment: This sequence change replaces serine, which is neutral and polar, with phenylalanine, which is neutral and non-polar, at codon 377 of the POT1 protein (p.Ser377Phe). This variant is present in population databases (no rsID available, gnomAD 0.0009%). This variant has not been reported in the literature in individuals affected with POT1-related conditions. Advanced modeling of protein sequence and biophysical properties (such as structural, functional, and spatial information, amino acid conservation, physicochemical variation, residue mobility, and thermodynamic stability) performed at Invitae indicates that this missense variant is not expected to disrupt POT1 protein function with a negative predictive value of 80%. In summary, the available evidence is currently insufficient to determine the role of this variant in disease. Therefore, it has been classified as a Variant of Uncertain Significance.